The following is an entry in ClinVar:

ClinVar aggregate classification (germline): Benign (1 of 4 stars; one submission).

Allele frequency attached by ClinVar (database versions not stated): gnomAD 0.30506 and 0.31282; TOPMed 0.30913; 1000 Genomes Project 30x 0.34244; 1000 Genomes Project 0.34525.
gnomAD v4.1: 47,872 of 152,212 alleles (31%); highest among the groups gnomAD compares: South Asian, 49%; 8,307 homozygotes.

Submission:

GeneDx
Classification: Benign. Last evaluated: 2018-06-18. Review status: criteria provided, single submitter. Criteria: GeneDx Variant Classification (06012015). Collection method: clinical testing. Allele origin: germline. Affected: yes.
Comment: This variant is considered likely benign or benign based on one or more of the following criteria: it is a conservative change, it occurs at a poorly conserved position in the protein, it is predicted to be benign by multiple in silico algorithms, and/or has population frequency not consistent with disease.

NM_139343.3(BIN1):c.613-245C>G

Genes: BIN1 (bridging integrator 1; minus strand), LOC112806045 (P300/CBP strongly-dependent group 1 enhancer GRCh37_chr2:127822028-127823227; plus strand). Cytogenetic location: 2q14.3.
Variant type: single nucleotide variant.
Coding change: c.613-245C>G on transcript NM_139343.3 (MANE Select); 245 bases into the intron before coding-DNA position 613, C replaced by G.
Molecular consequence: intron variant.
Genome position (GRCh38, 1-based): chr2:127,064,263, G>C on the plus strand (C>G on the coding strand, the complement: BIN1 is on the minus strand). VCF-style: chr2-127064263-G-C. GRCh37 (hg19) VCF-style: chr2-127821839-G-C.
Other names: c.532-245C>G (NM_001320642.1); c.448-245C>G (NM_001320634.1); c.520-245C>G (NM_139351.3, NM_139350.3, NM_139349.3 and 6 more transcripts); c.613-245C>G (NM_001320633.2, NM_139345.3, NM_139344.3 and 1 more transcripts).
Identifiers: ClinVar variation 678248 (VCV000678248.1), dbSNP rs75308426, ClinGen allele CA11082053.